The following is an entry in ClinVar:

NM_023936.2(MRPS34):c.481C>T (p.Leu161=)

Gene: MRPS34 (mitochondrial ribosomal protein S34; minus strand). Cytogenetic location: 16p13.3.
Variant type: single nucleotide variant.
Coding change: c.481C>T on transcript NM_023936.2 (MANE Select); coding-DNA position 481, C replaced by T.
Protein change: p.Leu161=; no amino-acid change (leucine 161 retained).
Molecular consequence: synonymous variant.
Genome position (GRCh38, 1-based): chr16:1,772,397, G>A on the plus strand (C>T on the coding strand, the complement: MRPS34 is on the minus strand). VCF-style: chr16-1772397-G-A. GRCh37 (hg19) VCF-style: chr16-1822398-G-A.
Other names: c.502C>T, p.Leu168= (NM_001300900.2).
Identifiers: ClinVar variation 3046302 (VCV003046302.2), dbSNP rs527952666, ClinGen allele CA7818331.

ClinVar aggregate classification (germline): Likely benign (0 of 4 stars; one submission).

Conditions:
MRPS34-related disorder. Also called: MRPS34-related condition.

Allele frequency attached by ClinVar (database versions not stated): ExAC 0.00002.

Submission:

PreventionGenetics, part of Exact Sciences
Classification: Likely benign for MRPS34-related condition. Last evaluated: 2020-03-30. Review status: no assertion criteria provided. Collection method: clinical testing. Allele origin: germline.
Comment: This variant is classified as likely benign based on ACMG/AMP sequence variant interpretation guidelines (Richards et al. 2015 PMID: 25741868, with internal and published modifications).